The following is an entry in ClinVar:

NM_024665.7(TBL1XR1):c.1250+2T>G

Gene: TBL1XR1 (TBL1X/Y related 1; minus strand). Cytogenetic location: 3q26.32.
Variant type: single nucleotide variant.
Coding change: c.1250+2T>G on transcript NM_024665.7 (MANE Select); the canonical splice donor site of the intron after coding-DNA position 1250, T replaced by G.
Molecular consequence: splice donor variant.
Genome position (GRCh38, 1-based): chr3:177,034,196, A>C on the plus strand (T>G on the coding strand, the complement: TBL1XR1 is on the minus strand). VCF-style: chr3-177034196-A-C. GRCh37 (hg19) VCF-style: chr3-176751984-A-C.
Other names: c.1250+2T>G (NM_001374327.1, NM_001321194.3, NM_001321193.3 and 2 more transcripts); c.989+2T>G (NM_001374330.1, NM_001321195.3).
Identifiers: ClinVar variation 421383 (VCV000421383.2), dbSNP rs1064795100, ClinGen allele CA16617842.

ClinVar aggregate classification (germline): Likely pathogenic (1 of 4 stars; one submission).

Submission:

GeneDx
Classification: Likely pathogenic. Last evaluated: 2016-06-02. Review status: criteria provided, single submitter. Criteria: GeneDx Variant Classification (06012015). Collection method: clinical testing. Allele origin: germline. Affected: yes.
Comment: The c.1250+2T>G variant in the TBL1XR1 gene has not been reported previously as a pathogenic variant nor as a benign variant, to our knowledge. This splice site variant destroys the canonical splice donor site in intron 13. It is predicted to cause abnormal gene splicing, either leading to an abnormal message that is subject to nonsense-mediated mRNA decay, or to an abnormal protein product if the message is used for protein translation. The c.1250+2T>G variant was not observed in approximately 5900 individuals of European and African American ancestry in the NHLBI Exome Sequencing Project, indicating it is not a common benign variant in these populations. The c.1250+2T>G variant is a strong candidate for a pathogenic variant